The following is an entry in ClinVar:

ClinVar aggregate classification (germline): Uncertain significance (1 of 4 stars; one submission).

Submission:

GeneDx
Classification: Uncertain significance. Last evaluated: 2023-04-11. Review status: criteria provided, single submitter. Criteria: GeneDx Variant Classification Process June 2021. Collection method: clinical testing. Allele origin: germline. Affected: yes.
Comment: Not observed at significant frequency in large population cohorts (gnomAD); Canonical splice site variant in a gene or region of a gene for which loss of function is not a well-established mechanism of disease; Has not been previously published as pathogenic or benign to our knowledge

NM_001135146.2(SLC39A8):c.382+2T>C

Gene: SLC39A8 (solute carrier family 39 member 8; minus strand). Cytogenetic location: 4q24.
Variant type: single nucleotide variant.
Coding change: c.382+2T>C on transcript NM_001135146.2 (MANE Select); the canonical splice donor site of the intron after coding-DNA position 382, T replaced by C.
Molecular consequence: splice donor variant.
Genome position (GRCh38, 1-based): chr4:102,315,666, A>G on the plus strand (T>C on the coding strand, the complement: SLC39A8 is on the minus strand). VCF-style: chr4-102315666-A-G. GRCh37 (hg19) VCF-style: chr4-103236823-A-G.
Other names: c.382+2T>C (NM_001135147.1, NM_022154.5); c.181+2T>C (NM_001135148.2).
Identifiers: ClinVar variation 2663189 (VCV002663189.1), dbSNP rs2476475819, ClinGen allele CA357755284.
Genomic context (GRCh38, chr4:102,315,666, plus strand): 5'-ACTTCATTTCACAATGGTTCATAGACTTTTCAAATAAAAGAGAAAAAATGCTTCTAATAT[A>G]CCTTCTGAATGACTTGGTCTTGTTTTGTGCTTGGGCCGATCCTCACATGGGTGAAAGTTC-3'